The following is an entry in ClinVar:

NM_001297.5(CNGB1):c.1272G>T (p.Glu424Asp)

Gene: CNGB1 (cyclic nucleotide gated channel subunit beta 1; minus strand). Cytogenetic location: 16q21.
Variant type: single nucleotide variant.
Coding change: c.1272G>T on transcript NM_001297.5 (MANE Select); coding-DNA position 1272, G replaced by T.
Protein change: p.Glu424Asp; replaces glutamic acid 424 with aspartic acid.
Molecular consequence: missense variant.
Genome position (GRCh38, 1-based): chr16:57,939,530, C>A on the plus strand (G>T on the coding strand, the complement: CNGB1 is on the minus strand). VCF-style: chr16-57939530-C-A. GRCh37 (hg19) VCF-style: chr16-57973434-C-A.
Other names: c.1254G>T, p.Glu418Asp (NM_001286130.2); short protein forms E418D, E424D.
Identifiers: ClinVar variation 1713343 (VCV001713343.5), dbSNP rs2544655042, ClinGen allele CA396072962.
Genomic context (GRCh38, chr16:57,939,530, plus strand): 5'-CTTGGTCTCCGCCCAGTCCTGGGGCTCCTTTTCAGCCTCCTCTTCAGCCACCTCCTCGGC[C>A]TCCTCCTTGGCCTTCTCTTCAGCCTCCTTCTTGGCCTCCTCCCCAACTTCCTCCCACAGC-3'
Protein context (NP_001288.3, residues 414-434): KKEAEEKAKE[Glu424Asp]AEEVAEEEAE

ClinVar aggregate classification (germline): Uncertain significance (1 of 4 stars; one submission).

Submission:

Labcorp Genetics (formerly Invitae), Labcorp
Classification: Uncertain significance. Last evaluated: 2023-04-05. Review status: criteria provided, single submitter. Criteria: Invitae Variant Classification Sherloc (09022015). Collection method: clinical testing. Allele origin: germline.
Comment: In summary, the available evidence is currently insufficient to determine the role of this variant in disease. Therefore, it has been classified as a Variant of Uncertain Significance. This sequence change replaces glutamic acid, which is acidic and polar, with aspartic acid, which is acidic and polar, at codon 424 of the CNGB1 protein (p.Glu424Asp). This variant is not present in population databases (gnomAD no frequency). This variant has not been reported in the literature in individuals affected with CNGB1-related conditions. ClinVar contains an entry for this variant (Variation ID: 1713343). Advanced modeling of protein sequence and biophysical properties (such as structural, functional, and spatial information, amino acid conservation, physicochemical variation, residue mobility, and thermodynamic stability) performed at Invitae indicates that this missense variant is not expected to disrupt CNGB1 protein function.